The following is an entry in ClinVar:

ClinVar aggregate classification (germline): Likely pathogenic. Review status: criteria provided, multiple submitters, no conflicts (2 of 4 stars). 2 submissions from 2 submitters: Likely pathogenic (2). Last evaluated 2023-09-08.

Conditions:
Heimler syndrome 1 (HMLR1). Also called: PEROXISOME BIOGENESIS DISORDER 1C. Identifiers: Orphanet 3220, MedGen C4551980, OMIM 234580, MONDO:0024544.
Zellweger spectrum disorders (ZS). Also called: Zellweger Spectrum Disorder (ZSD); Zellweger Spectrum Disorder; Zellweger Spectrum; Zellweger syndrome. Identifiers: Orphanet 912, MedGen C0043459, MONDO:0019609.

Submissions (2):

Labcorp Genetics (formerly Invitae), Labcorp
Classification: Likely pathogenic for Zellweger spectrum disorders. Last evaluated: 2023-09-08. Review status: criteria provided, single submitter. Criteria: Invitae Variant Classification Sherloc (09022015). Collection method: clinical testing. Allele origin: germline.
Comment: This sequence change affects an acceptor splice site in intron 17 of the PEX1 gene. It is expected to disrupt RNA splicing. Variants that disrupt the donor or acceptor splice site typically lead to a loss of protein function (PMID: 16199547), and loss-of-function variants in PEX1 are known to be pathogenic (PMID: 21031596, 26387595, 31831025). ClinVar contains an entry for this variant (Variation ID: 2085739). In summary, the currently available evidence indicates that the variant is pathogenic, but additional data are needed to prove that conclusively. Therefore, this variant has been classified as Likely Pathogenic. Algorithms developed to predict the effect of sequence changes on RNA splicing suggest that this variant may disrupt the consensus splice site. This variant has not been reported in the literature in individuals affected with PEX1-related conditions. This variant is not present in population databases (gnomAD no frequency).

Baylor Genetics
Classification: Likely pathogenic for Heimler syndrome 1. Last evaluated: 2023-02-09. Review status: criteria provided, single submitter. Criteria: ACMG Guidelines, 2015. Collection method: clinical testing. Allele origin: unknown.

Literature cited by the submitters: PubMed 16199547 (cited by Labcorp Genetics (formerly Invitae), Labcorp); PubMed 21031596 (cited by Labcorp Genetics (formerly Invitae), Labcorp); PubMed 26387595 (cited by Labcorp Genetics (formerly Invitae), Labcorp); PubMed 31831025 (cited by Labcorp Genetics (formerly Invitae), Labcorp).

NM_000466.3(PEX1):c.2784-1G>C

Genes: PEX1 (peroxisomal biogenesis factor 1; minus strand), GATAD1 (GATA zinc finger domain containing 1; plus strand). Cytogenetic location: 7q21.2.
Variant type: single nucleotide variant.
Coding change: c.2784-1G>C on transcript NM_000466.3 (MANE Select); the canonical splice acceptor site of the intron before coding-DNA position 2784, G replaced by C.
Molecular consequence: splice acceptor variant.
Genome position (GRCh38, 1-based): chr7:92,494,630, C>G on the plus strand (G>C on the coding strand, the complement: PEX1 is on the minus strand). VCF-style: chr7-92494630-C-G. GRCh37 (hg19) VCF-style: chr7-92123944-C-G.
Other names: c.2613-1G>C (NM_001282677.2); c.2160-1G>C (NM_001282678.2).
Identifiers: ClinVar variation 2085739 (VCV002085739.5), dbSNP rs2484638988, ClinGen allele CA368170284.